The following is an entry in ClinVar:

ClinVar aggregate classification (germline): Likely benign. Review status: criteria provided, multiple submitters, no conflicts (2 of 4 stars). 5 submissions from 4 submitters: Likely benign (5). Last evaluated 2022-08-24.

Conditions:
Cardiovascular phenotype. Identifiers: MedGen CN230736.
RASopathy. Also called: Noonan spectrum disorder; rasopathies. Identifiers: Orphanet 536391, MedGen C5555857, MONDO:0021060.
Noonan syndrome 4 (NS4). Also called: SOS1-Related Noonan Syndrome; NOONAN SYNDROME WITH PIGMENTED VILLONODULAR SYNOVITIS. Identifiers: Orphanet 648, MedGen C1853120, MONDO:0012547, OMIM 610733.
Fibromatosis, gingival, 1 (GINGF1). Identifiers: Orphanet 2024, MedGen C4551558, MONDO:0007609, OMIM 135300.

Allele frequency attached by ClinVar (database versions not stated): gnomAD exomes below 0.00001; TOPMed 0.00001.
gnomAD v4.1: 1 of 1,613,764 alleles (0.000062%); highest among the groups gnomAD compares: African/African-American, 0.0013%; no homozygotes.

Submissions (5):

Labcorp Genetics (formerly Invitae), Labcorp
Classification: Likely benign for RASopathy. Last evaluated: 2022-08-24. Review status: criteria provided, single submitter. Criteria: Invitae Variant Classification Sherloc (09022015). Collection method: clinical testing. Allele origin: germline.

Ambry Genetics
Classification: Likely benign for Cardiovascular phenotype. Last evaluated: 2021-09-21. Review status: criteria provided, single submitter. Criteria: Ambry Variant Classification Scheme 2023. Collection method: clinical testing. Allele origin: germline.

GeneDx
Classification: Likely benign. Last evaluated: 2017-08-28. Review status: criteria provided, single submitter. Criteria: GeneDx Variant Classification (06012015). Collection method: clinical testing. Allele origin: germline. Affected: yes.
Comment: This variant is considered likely benign or benign based on one or more of the following criteria: it is a conservative change, it occurs at a poorly conserved position in the protein, it is predicted to be benign by multiple in silico algorithms, and/or has population frequency not consistent with disease.

Genome-Nilou Lab
Classification: Likely benign for Noonan syndrome 4. Review status: criteria provided, single submitter. Criteria: ACMG Guidelines, 2015. Collection method: clinical testing. Allele origin: germline.

Genome-Nilou Lab
Classification: Likely benign for Fibromatosis, gingival, 1. Review status: criteria provided, single submitter. Criteria: ACMG Guidelines, 2015. Collection method: clinical testing. Allele origin: germline.

NM_005633.4(SOS1):c.1707G>A (p.Leu569=)

Gene: SOS1 (SOS Ras/Rac guanine nucleotide exchange factor 1; minus strand). Cytogenetic location: 2p22.1.
Variant type: single nucleotide variant.
Coding change: c.1707G>A on transcript NM_005633.4 (MANE Select); coding-DNA position 1707, G replaced by A.
Protein change: p.Leu569=; no amino-acid change (leucine 569 retained).
Molecular consequence: synonymous variant.
Genome position (GRCh38, 1-based): chr2:39,022,721, C>T on the plus strand (G>A on the coding strand, the complement: SOS1 is on the minus strand). VCF-style: chr2-39022721-C-T. GRCh37 (hg19) VCF-style: chr2-39249862-C-T.
Other names: c.1686G>A, p.Leu562= (NM_001382394.1); c.1707G>A, p.Leu569= (NM_001382395.1).
Identifiers: ClinVar variation 511779 (VCV000511779.8), dbSNP rs1479407572, ClinGen allele CA425866737.